The following is an entry in ClinVar:

NM_002834.5(PTPN11):c.1547T>C (p.Met516Thr)

Gene: PTPN11 (protein tyrosine phosphatase non-receptor type 11; plus strand). Cytogenetic location: 12q24.13.
Variant type: single nucleotide variant.
Coding change: c.1547T>C on transcript NM_002834.5 (MANE Select); coding-DNA position 1547, T replaced by C.
Protein change: p.Met516Thr; replaces methionine 516 with threonine.
Molecular consequence: missense variant.
Genome position (GRCh38, 1-based): chr12:112,489,123, T>C. VCF-style: chr12-112489123-T-C. GRCh37 (hg19) VCF-style: chr12-112926927-T-C.
Other names: c.1559T>C, p.Met520Thr (NM_001330437.2); c.1544T>C, p.Met515Thr (NM_001374625.1); short protein forms M515T, M520T, M516T.
Identifiers: ClinVar variation 944057 (VCV000944057.10), dbSNP rs994514579, ClinGen allele CA243714583.

ClinVar aggregate classification (germline): Uncertain significance. Review status: criteria provided, multiple submitters, no conflicts (2 of 4 stars). 2 submissions from 2 submitters: Uncertain significance (2). Last evaluated 2025-02-28.

Conditions:
Cardiovascular phenotype. Identifiers: MedGen CN230736.
RASopathy. Also called: rasopathies; Noonan spectrum disorder. Identifiers: Orphanet 536391, MedGen C5555857, MONDO:0021060.

Allele frequency attached by ClinVar (database versions not stated): gnomAD exomes below 0.00001 and 0.00001.
gnomAD v4.1: 2 of 1,614,198 alleles (0.00012%); highest among the groups gnomAD compares: South Asian, 0.0011%; no homozygotes.

Submissions (2):

Ambry Genetics
Classification: Uncertain significance for Cardiovascular phenotype. Last evaluated: 2025-02-28. Review status: criteria provided, single submitter. Criteria: Ambry Variant Classification Scheme 2023. Collection method: clinical testing. Allele origin: germline.
Comment: The p.M516T variant (also known as c.1547T>C), located in coding exon 13 of the PTPN11 gene, results from a T to C substitution at nucleotide position 1547. The methionine at codon 516 is replaced by threonine, an amino acid with similar properties. This amino acid position is conserved. In addition, this alteration is predicted to be deleterious by in silico analysis. Based on the available evidence, the clinical significance of this variant remains unclear.

Labcorp Genetics (formerly Invitae), Labcorp
Classification: Uncertain significance for RASopathy. Last evaluated: 2023-09-09. Review status: criteria provided, single submitter. Criteria: Invitae Variant Classification Sherloc (09022015). Collection method: clinical testing. Allele origin: germline.
Comment: Advanced modeling of protein sequence and biophysical properties (such as structural, functional, and spatial information, amino acid conservation, physicochemical variation, residue mobility, and thermodynamic stability) performed at Invitae indicates that this missense variant is expected to disrupt PTPN11 protein function. ClinVar contains an entry for this variant (Variation ID: 944057). This variant has not been reported in the literature in individuals affected with PTPN11-related conditions. This variant is present in population databases (no rsID available, gnomAD 0.003%). This sequence change replaces methionine, which is neutral and non-polar, with threonine, which is neutral and polar, at codon 516 of the PTPN11 protein (p.Met516Thr). In summary, the available evidence is currently insufficient to determine the role of this variant in disease. Therefore, it has been classified as a Variant of Uncertain Significance.